The following is an entry in ClinVar:

NM_004168.4(SDHA):c.602T>C (p.Leu201Ser)

Gene: SDHA (succinate dehydrogenase complex flavoprotein subunit A; plus strand). Cytogenetic location: 5p15.33.
Variant type: single nucleotide variant.
Coding change: c.602T>C on transcript NM_004168.4 (MANE Select); coding-DNA position 602, T replaced by C.
Protein change: p.Leu201Ser; replaces leucine 201 with serine.
Molecular consequence: missense variant.
Genome position (GRCh38, 1-based): chr5:226,028, T>C. VCF-style: chr5-226028-T-C. GRCh37 (hg19) VCF-style: chr5-226143-T-C.
Other names: c.458T>C, p.Leu153Ser (NM_001294332.2); c.602T>C, p.Leu201Ser (NM_001330758.2); c.602T>C (NM_004168.2); short protein forms L153S, L201S.
Identifiers: ClinVar variation 853470 (VCV000853470.17), dbSNP rs150646390, ClinGen allele CA3172889.

ClinVar aggregate classification (germline): Uncertain significance. Review status: criteria provided, multiple submitters, no conflicts (2 of 4 stars). 3 submissions from 3 submitters: Uncertain significance (3). Last evaluated 2026-07-06.

Conditions:
Mitochondrial complex II deficiency, nuclear type 1. Also called: SUCCINATE CoQ REDUCTASE DEFICIENCY. Identifiers: Orphanet 3208, MedGen C5700310, MONDO:0100294, OMIM 252011.
Pheochromocytoma/paraganglioma syndrome 5. Also called: Paragangliomas 5; SDHA-Related Hereditary Paraganglioma-Pheochromocytoma Syndrome. Identifiers: Orphanet 29072, MedGen C3279992, MONDO:0013602, OMIM 614165.
Hereditary cancer-predisposing syndrome. Also called: Tumor predisposition; Hereditary neoplastic syndrome; Neoplastic Syndromes, Hereditary; Hereditary Cancer Syndrome. Identifiers: Orphanet 140162, MedGen C0027672, MeSH D009386, MONDO:0015356.

Allele frequency attached by ClinVar (database versions not stated): gnomAD exomes below 0.00001; ESP Exome Variant Server 0.00008; ExAC 0.00001.
gnomAD v4.1: 1 of 1,614,152 alleles (0.000062%); highest among the groups gnomAD compares: Non-Finnish European, 0.000085%; no homozygotes.

Submissions (3):

Ambry Genetics
Classification: Uncertain significance for Hereditary cancer-predisposing syndrome. Last evaluated: 2026-07-06. Review status: criteria provided, single submitter. Criteria: Ambry Variant Classification Scheme 2023. Collection method: clinical testing. Allele origin: germline.
Comment: The p.L201S variant (also known as c.602T>C), located in coding exon 5 of the SDHA gene, results from a T to C substitution at nucleotide position 602. The leucine at codon 201 is replaced by serine, an amino acid with dissimilar properties. This amino acid position is conserved. In addition, this alteration is predicted to be deleterious by in silico analysis. Based on the available evidence, the clinical significance of this variant remains unclear.

Labcorp Genetics (formerly Invitae), Labcorp
Classification: Uncertain significance for Pheochromocytoma/paraganglioma syndrome 5; Mitochondrial complex II deficiency, nuclear type 1. Last evaluated: 2025-03-17. Review status: criteria provided, single submitter. Criteria: Invitae Variant Classification Sherloc (09022015). Collection method: clinical testing. Allele origin: germline.
Comment: This sequence change replaces leucine, which is neutral and non-polar, with serine, which is neutral and polar, at codon 201 of the SDHA protein (p.Leu201Ser). This variant is present in population databases (rs150646390, gnomAD 0.007%). This variant has not been reported in the literature in individuals affected with SDHA-related conditions. ClinVar contains an entry for this variant (Variation ID: 853470). Invitae Evidence Modeling of protein sequence and biophysical properties (such as structural, functional, and spatial information, amino acid conservation, physicochemical variation, residue mobility, and thermodynamic stability) has been performed for this missense variant. However, the output from this modeling did not meet the statistical confidence thresholds required to predict the impact of this variant on SDHA protein function. In summary, the available evidence is currently insufficient to determine the role of this variant in disease. Therefore, it has been classified as a Variant of Uncertain Significance.

Quest Diagnostics Nichols Institute San Juan Capistrano
Classification: Uncertain significance. Last evaluated: 2024-12-26. Review status: criteria provided, single submitter. Criteria: Quest Diagnostics criteria. Collection method: clinical testing. Allele origin: unknown.
Comment: The SDHA c.602T>C (p.Leu201Ser) variant has not been reported in individuals with SDHA-related conditions in the published literature. The frequency of this variant in the general population (Genome Aggregation Database) is uninformative in the assessment of its pathogenicity. Analysis of this variant using bioinformatics tools for the prediction of the effect of amino acid changes on protein structure and function yielded predictions that this variant is damaging. Based on the available information, we are unable to determine the clinical significance of this variant.